The following is an entry in ClinVar:

ClinVar aggregate classification (germline): Likely pathogenic. Review status: reviewed by expert panel (3 of 4 stars). 2 submissions from 2 submitters: Likely pathogenic (1). 1 of the submissions does not count toward it. Last evaluated 2024-04-26.

Conditions:
Deficiency of guanidinoacetate methyltransferase (CCDS2). Also called: GAMT DEFICIENCY; Guanidinoacetate Methyltransferase (GAMT) Deficiency; CEREBRAL CREATINE DEFICIENCY SYNDROME 2. Identifiers: Orphanet 382, MedGen C0574080, MONDO:0012999, OMIM 612736.

Allele frequency attached by ClinVar (database versions not stated): gnomAD 0.00001.

Submissions (2):

ClinGen Cerebral Creatine Deficiency Syndromes Variant Curation Expert Panel, ClinGen
Classification: Likely pathogenic for Deficiency of guanidinoacetate methyltransferase. Last evaluated: 2024-04-26. Review status: reviewed by expert panel. Criteria: ClinGen_CCDS_ACMG_Specifications_GAMT_v1.1. Collection method: curation. Allele origin: germline. Inheritance: Autosomal recessive inheritance.
Comment: The NM_000156.6:c.114C>T (p.Gly38=) variant in GAMT is a synonymous (silent) variant. The computational splicing predictor SpliceAI gives a score of 0.98 for donor gain, predicting that the variant activates a cryptic splice site within exon 1 of GAMT (PP3). This variant has been reported in an individual with GAMT deficiency (PMID: 37305710). This individual was compound heterozygous for this variant and a variant that has been classified as likely pathogenic variant by the ClinGen CCDS VCEP, c.328-1G>A (ClinVar ID 844968), and confirmed in trans by parental testing (PMID: 37305710). This individual had elevated guanidinoacetate levels in plasma and significantly decreased creatine peak on brain MRS (PP4_Strong). This variant is absent from gnomAD v2.1.1 (PM2_Supporting). There is a ClinVar entry for this variant (Variation ID: 1305363). In summary, this variant meets the criteria to be classified as likely pathogenic for GAMT deficiency based on the ACMG/AMP criteria applied, as specified by the ClinGen Cerebral Creatine Deficiency Syndromes Variant Curation Expert Panel (Specifications Version 1.1.0): PM2_Supporting, PM3, PP3, PP4_Strong. (Classification approved by the ClinGen CCDS VCEP on April 26, 2024)

GeneDx
Classification: Uncertain significance. Last evaluated: 2019-02-08. Review status: criteria provided, single submitter. Criteria: GeneDx Variant Classification Process June 2021. Collection method: clinical testing. Allele origin: germline. Affected: yes. Not counted in ClinVar's aggregate classification.
Comment: Not observed in large population cohorts (Lek et al., 2016)

NM_000156.6(GAMT):c.114C>T (p.Gly38=)

Genes: GAMT (guanidinoacetate N-methyltransferase; minus strand), LOC130062945 (ATAC-STARR-seq lymphoblastoid silent region 9707; plus strand). Cytogenetic location: 19p13.3.
Variant type: single nucleotide variant.
Coding change: c.114C>T on transcript NM_000156.6 (MANE Select); coding-DNA position 114, C replaced by T.
Protein change: p.Gly38=; no amino-acid change (glycine 38 retained).
Molecular consequence: synonymous variant.
Genome position (GRCh38, 1-based): chr19:1,401,363, G>A on the plus strand (C>T on the coding strand, the complement: GAMT is on the minus strand). VCF-style: chr19-1401363-G-A. GRCh37 (hg19) VCF-style: chr19-1401362-G-A.
Other names: NM_000156.6(GAMT):c.114C>T; p.Gly38=; c.114C>T, p.Gly38= (NM_138924.3).
Identifiers: ClinVar variation 1305363 (VCV001305363.3), dbSNP rs2082632873, ClinGen allele CA504731636.
Genomic context (GRCh38, chr19:1,401,363, plus strand): 5'-GGAGGCGGCGGCGGCCAGCGCGTGCATATAGGGGGTCTCCCAGCGCTCCATCACCGGCTT[G>A]CCCAGGATGCGCAGGTGCGTGTCCGCTGCGTCGTAGGCCGCGGGCGCCGCCCCCCACGCG-3'
Protein context (NP_000147.1, residues 28-48): DAADTHLRIL[Gly38=]KPVMERWETP